The following is an entry in ClinVar:

NM_001370298.3(FGD4):c.2404G>A (p.Val802Met)

Gene: FGD4 (FYVE, RhoGEF and PH domain containing 4; plus strand). Cytogenetic location: 12p11.21.
Variant type: single nucleotide variant.
Coding change: c.2404G>A on transcript NM_001370298.3 (MANE Select); coding-DNA position 2404, G replaced by A.
Protein change: p.Val802Met; replaces valine 802 with methionine.
Molecular consequence: missense variant.
Genome position (GRCh38, 1-based): chr12:32,638,745, G>A. VCF-style: chr12-32638745-G-A. GRCh37 (hg19) VCF-style: chr12-32791679-G-A.
Other names: c.2248G>A, p.Val750Met (NM_001304481.2); c.1249G>A, p.Val417Met (NM_001304483.2); c.961G>A, p.Val321Met (NM_001304484.2); c.1714G>A, p.Val572Met (NM_001330373.2, NM_001330374.2, NM_001384130.1); c.1441G>A, p.Val481Met (NM_001370297.1); c.2404G>A, p.Val802Met (NM_001384126.1); c.1993G>A, p.Val665Met (NM_001384127.1, NM_001384128.1, NM_001385118.1 and 1 more transcripts); short protein forms V417M, V750M, V802M, V481M, V572M, V665M, V321M.
Identifiers: ClinVar variation 1041113 (VCV001041113.9), dbSNP rs768786804, ClinGen allele CA6507060.

ClinVar aggregate classification (germline): Uncertain significance. Review status: criteria provided, multiple submitters, no conflicts (2 of 4 stars). 2 submissions from 2 submitters: Uncertain significance (2). Last evaluated 2022-08-15.

Conditions:
Inborn genetic diseases. Identifiers: MedGen C0950123, MeSH D030342.
Charcot-Marie-Tooth disease type 4. Also called: Charcot-Marie-Tooth disease, type IV; Charcot-Marie-Tooth, Type 4. Identifiers: Orphanet 64749, MedGen C4082197, MONDO:0018995.

Allele frequency attached by ClinVar (database versions not stated): gnomAD exomes below 0.00001 and 0.00002; ExAC 0.00001.
gnomAD v4.1: 24 of 1,614,164 alleles (0.0015%); highest among the groups gnomAD compares: Non-Finnish European, 0.0019%; no homozygotes.

Submissions (2):

Labcorp Genetics (formerly Invitae), Labcorp
Classification: Uncertain significance for Charcot-Marie-Tooth disease type 4. Last evaluated: 2022-08-15. Review status: criteria provided, single submitter. Criteria: Invitae Variant Classification Sherloc (09022015). Collection method: clinical testing. Allele origin: germline.
Comment: In summary, the available evidence is currently insufficient to determine the role of this variant in disease. Therefore, it has been classified as a Variant of Uncertain Significance. Algorithms developed to predict the effect of sequence changes on RNA splicing suggest that this variant may disrupt the consensus splice site. Algorithms developed to predict the effect of missense changes on protein structure and function are either unavailable or do not agree on the potential impact of this missense change (SIFT: "Deleterious"; PolyPhen-2: "Possibly Damaging"; Align-GVGD: "Class C15"). ClinVar contains an entry for this variant (Variation ID: 1041113). This variant has not been reported in the literature in individuals affected with FGD4-related conditions. This variant is present in population databases (rs768786804, gnomAD 0.0009%). This sequence change replaces valine, which is neutral and non-polar, with methionine, which is neutral and non-polar, at codon 665 of the FGD4 protein (p.Val665Met).

Ambry Genetics
Classification: Uncertain significance for Inborn genetic diseases. Last evaluated: 2021-08-02. Review status: criteria provided, single submitter. Criteria: Ambry Variant Classification Scheme 2023. Collection method: clinical testing. Allele origin: germline.
Comment: The p.V665M variant (also known as c.1993G>A), located in coding exon 14 of the FGD4 gene, results from a G to A substitution at nucleotide position 1993. The valine at codon 665 is replaced by methionine, an amino acid with highly similar properties. This amino acid position is conserved. In addition, the in silico prediction for this alteration is inconclusive. Since supporting evidence is limited at this time, the clinical significance of this alteration remains unclear.